The following is an entry in ClinVar:

NM_020806.5(GPHN):c.1170A>T (p.Gln390His)

Gene: GPHN (gephyrin; plus strand). Cytogenetic location: 14q23.3.
Variant type: single nucleotide variant.
Coding change: c.1170A>T on transcript NM_020806.5 (MANE Select); coding-DNA position 1170, A replaced by T.
Protein change: p.Gln390His; replaces glutamine 390 with histidine.
Molecular consequence: missense variant.
Genome position (GRCh38, 1-based): chr14:67,089,008, A>T. VCF-style: chr14-67089008-A-T. GRCh37 (hg19) VCF-style: chr14-67555725-A-T.
Other names: c.1071A>T, p.Gln357His (NM_001024218.2); c.1230A>T, p.Gln410His (NM_001377514.1); c.1200A>T, p.Gln400His (NM_001377515.1); c.1191A>T, p.Gln397His (NM_001377516.1); c.1143A>T, p.Gln381His (NM_001377517.1); c.1128A>T, p.Gln376His (NM_001377518.1); c.1110A>T, p.Gln370His (NM_001377519.1); short protein forms Q370H, Q376H, Q357H, Q397H, Q410H, Q381H, Q390H, Q400H.
Identifiers: ClinVar variation 1028685 (VCV001028685.1), dbSNP rs1239161227, ClinGen allele CA390257202.

ClinVar aggregate classification (germline): Uncertain significance (1 of 4 stars; one submission).

Conditions:
Sulfite oxidase deficiency due to molybdenum cofactor deficiency type C. Also called: Molybdenum cofactor deficiency, complementation group C; Molybdenum cofactor deficiency C. Identifiers: Orphanet 308400, Orphanet 833, MedGen C1854990, MONDO:0014212, OMIM 615501.

Allele frequency attached by ClinVar (database versions not stated): gnomAD exomes below 0.00001; gnomAD 0.00001; TOPMed 0.00001.
gnomAD v4.1: 3 of 1,601,172 alleles (0.00019%); highest among the groups gnomAD compares: Non-Finnish European, 0.00026%; no homozygotes.

Submission:

Baylor Genetics
Classification: Uncertain significance for Sulfite oxidase deficiency due to molybdenum cofactor deficiency type C. Last evaluated: 2019-06-06. Review status: criteria provided, single submitter. Criteria: ACMG Guidelines, 2015. Collection method: clinical testing. Allele origin: unknown. Affected: yes.
Comment: This variant was determined to be of uncertain significance according to ACMG Guidelines, 2015 [PMID:25741868].